The following is an entry in ClinVar:

ClinVar aggregate classification (germline): Uncertain significance (1 of 4 stars; one submission).

Submission:

Labcorp Genetics (formerly Invitae), Labcorp
Classification: Uncertain significance. Last evaluated: 2025-12-10. Review status: criteria provided, single submitter. Criteria: Invitae Variant Classification Sherloc (09022015). Collection method: clinical testing. Allele origin: germline.
Comment: This sequence change replaces asparagine, which is neutral and polar, with histidine, which is basic and polar, at codon 133 of the TCF3 protein (p.Asn133His). This variant is not present in population databases (gnomAD no frequency). This variant has not been reported in the literature in individuals affected with TCF3-related conditions. Invitae Evidence Modeling of protein sequence and biophysical properties (such as structural, functional, and spatial information, amino acid conservation, physicochemical variation, residue mobility, and thermodynamic stability) indicates that this missense variant is not expected to disrupt TCF3 protein function with a negative predictive value of 80%. In summary, the available evidence is currently insufficient to determine the role of this variant in disease. Therefore, it has been classified as a Variant of Uncertain Significance.

NM_003200.5(TCF3):c.397A>C (p.Asn133His)

Gene: TCF3 (transcription factor 3; minus strand). Cytogenetic location: 19p13.3.
Variant type: single nucleotide variant.
Coding change: c.397A>C on transcript NM_003200.5 (MANE Select); coding-DNA position 397, A replaced by C.
Protein change: p.Asn133His; replaces asparagine 133 with histidine.
Molecular consequence: missense variant.
Genome position (GRCh38, 1-based): chr19:1,625,678, T>G on the plus strand (A>C on the coding strand, the complement: TCF3 is on the minus strand). VCF-style: chr19-1625678-T-G. GRCh37 (hg19) VCF-style: chr19-1625677-T-G.
Other names: c.397A>C, p.Asn133His (NM_001136139.4, NM_001351778.2, NM_001351779.2); short protein forms N133H.
Identifiers: ClinVar variation 4743043 (VCV004743043.1).